The following is an entry in ClinVar:

ClinVar aggregate classification (germline): Benign. Review status: reviewed by expert panel (3 of 4 stars). 7 submissions from 7 submitters: Benign (1). 6 of the submissions do not count toward it. Last evaluated 2018-09-14.

Conditions:
Usher syndrome. Also called: Usher Syndromes; Usher's syndrome. Identifiers: Orphanet 886, MedGen CN469326, MeSH D052245, MONDO:0019501. Disease mechanism: loss of function.

Allele frequency attached by ClinVar (database versions not stated): gnomAD exomes 0.00031 and 0.00082; ExAC 0.00094; ESP Exome Variant Server 0.00300; gnomAD 0.00304 and 0.00327; 1000 Genomes Project 0.00379; TOPMed 0.00392; 1000 Genomes Project 30x 0.00422.
gnomAD v4.1: 943 of 1,614,204 alleles (0.058%); highest among the groups gnomAD compares: African/African-American, 1.1%; 5 homozygotes.

Submissions (7):

ClinGen Hearing Loss Variant Curation Expert Panel
Classification: Benign for Usher syndrome. Last evaluated: 2018-09-14. Review status: reviewed by expert panel. Criteria: ClinGen HL ACMG Specifications v1. Collection method: curation. Allele origin: germline. Inheritance: Autosomal recessive inheritance.
Comment: The filtering allele frequency of the c.15297+3A>G variant in the USH2A gene is 0.99% (265/24032) of African chromosomes by the Genome Aggregation Database (calculated by using inverse allele frequency at an online resource), which is a high enough frequency to be classified as benign based on thresholds defined by the ClinGen Hearing Loss Expert Panel for autosomal recessive hearing loss variants (BA1).

Labcorp Genetics (formerly Invitae), Labcorp
Classification: Benign. Last evaluated: 2026-01-28. Review status: criteria provided, single submitter. Criteria: Invitae Variant Classification Sherloc (09022015). Collection method: clinical testing. Allele origin: germline. Not counted in ClinVar's aggregate classification.

Blueprint Genetics
Classification: Likely benign. Last evaluated: 2024-10-02. Review status: criteria provided, single submitter. Criteria: ACMG Guidelines, 2015. Collection method: clinical testing. Allele origin: germline. Not counted in ClinVar's aggregate classification.

GeneDx
Classification: Likely benign. Last evaluated: 2020-07-16. Review status: criteria provided, single submitter. Criteria: GeneDx Variant Classification Process June 2021. Collection method: clinical testing. Allele origin: germline. Affected: yes. Not counted in ClinVar's aggregate classification.

ARUP Laboratories, Molecular Genetics and Genomics, ARUP Laboratories
Classification: Benign. Last evaluated: 2019-10-21. Review status: criteria provided, single submitter. Criteria: ARUP Molecular Germline Variant Investigation Process. Collection method: clinical testing. Allele origin: germline. Not counted in ClinVar's aggregate classification.

Eurofins Ntd Llc (ga)
Classification: Benign. Last evaluated: 2014-04-25. Review status: criteria provided, single submitter. Criteria: EGL Classification Definitions 2015. Collection method: clinical testing. Allele origin: germline. Observed: 1 variant allele, 1 heterozygote. Not counted in ClinVar's aggregate classification.

Laboratory for Molecular Medicine, Mass General Brigham Personalized Medicine
Classification: Benign. Last evaluated: 2012-05-15. Review status: criteria provided, single submitter. Criteria: LMM Criteria. Collection method: clinical testing. Allele origin: germline. Observed: 8 variant alleles. Not counted in ClinVar's aggregate classification.
Comment: 15297+3A>G in Intron 70 of USH2A: This variant is not expected to have clinical significance because it has been identified in 1.0% (37/3738) of African America n chromosomes from a broad population by the NHLBI Exome Sequencing Project (dbSNP rs57754754).

NM_206933.4(USH2A):c.15297+3A>G

Gene: USH2A (usherin; minus strand). Cytogenetic location: 1q41.
Variant type: single nucleotide variant.
Coding change: c.15297+3A>G on transcript NM_206933.4 (MANE Select); 3 bases into the intron after coding-DNA position 15297, A replaced by G.
Molecular consequence: intron variant.
Genome position (GRCh38, 1-based): chr1:215,634,456, T>C on the plus strand (A>G on the coding strand, the complement: USH2A is on the minus strand). VCF-style: chr1-215634456-T-C. GRCh37 (hg19) VCF-style: chr1-215807798-T-C.
Identifiers: ClinVar variation 48459 (VCV000048459.33), dbSNP rs57754754, ClinGen allele CA143392.